The following is an entry in ClinVar:

NM_000059.4(BRCA2):c.4894A>C (p.Ser1632Arg)

Gene: BRCA2 (BRCA2 DNA repair associated; plus strand). Cytogenetic location: 13q13.1.
Variant type: single nucleotide variant.
Coding change: c.4894A>C on transcript NM_000059.4 (MANE Select); coding-DNA position 4894, A replaced by C.
Protein change: p.Ser1632Arg; replaces serine 1632 with arginine.
Molecular consequence: missense variant.
Genome position (GRCh38, 1-based): chr13:32,339,249, A>C. VCF-style: chr13-32339249-A-C. GRCh37 (hg19) VCF-style: chr13-32913386-A-C.
Other names: short protein forms S1632R.
Identifiers: ClinVar variation 51734 (VCV000051734.23), dbSNP rs80358712, ClinGen allele CA020968.
Genomic context (GRCh38, chr13:32,339,249, plus strand): 5'-CCACCTAAGCTCTTAAGTGATAATTTATGTAGACAAACTGAAAATCTCAAAACATCAAAA[A>C]GTATCTTTTTGAAAGTTAAAGTACATGAAAATGTAGAAAAAGAAACAGCAAAAAGTCCTG-3'
Protein context (NP_000050.3, residues 1622-1642): RQTENLKTSK[Ser1632Arg]IFLKVKVHEN

ClinVar aggregate classification (germline): Conflicting classifications of pathogenicity. Review status: criteria provided, conflicting classifications (1 of 4 stars). 9 submissions from 9 submitters: Uncertain significance (6); Likely benign (2). 1 of the submissions does not count toward it. Last evaluated 2024-11-17.

Conditions:
Pancreatic cancer, susceptibility to, 2. Identifiers: Orphanet 1333, MedGen C3150546, MONDO:0013235, OMIM 613347.
Glioma susceptibility 3 (GLM3). Also called: Glioblastoma 3. Identifiers: Orphanet 182067, Orphanet 360, MedGen C2751641, MONDO:0013093, OMIM 613029.
Familial prostate cancer. Also called: Hereditary Prostate Cancer. Identifiers: MedGen C2931456, MONDO:0700275, OMIM 176807.
Breast-ovarian cancer, familial, susceptibility to, 2 (BROVCA2). Also called: BRCA2 Hereditary Breast and Ovarian Cancer. Identifiers: Orphanet 145, MedGen C2675520, MONDO:0012933, OMIM 612555. Disease mechanism: loss of function.
Fanconi anemia complementation group D1. Also called: BRCA2-Related Fanconi Anemia. Identifiers: Orphanet 319462, MedGen C1838457, MONDO:0011584, OMIM 605724.
Medulloblastoma (MDB). Also called: Medulloblastoma, somatic; MEDULLOBLASTOMA PREDISPOSITION SYNDROME. Identifiers: Orphanet 616, MedGen C0025149, MeSH D008527, MONDO:0007959, OMIM 155255, HP:0002885.
Wilms tumor 1 (WT1). Also called: Wilms tumor, somatic. Identifiers: Orphanet 654, MedGen CN033288, MONDO:0008679, OMIM 194070.
Familial cancer of breast. Also called: BREAST CANCER, FAMILIAL; hereditary breast carcinoma; Hereditary breast cancer. Identifiers: Orphanet 227535, MedGen C0346153, MONDO:0016419, OMIM 114480. Disease mechanism: loss of function.
Hereditary cancer-predisposing syndrome. Also called: Neoplastic Syndromes, Hereditary; Tumor predisposition; Hereditary Cancer Syndrome; Hereditary neoplastic syndrome. Identifiers: Orphanet 140162, MedGen C0027672, MeSH D009386, MONDO:0015356.
Hereditary breast ovarian cancer syndrome. Also called: Breast and ovarian cancer; Hereditary breast and ovarian cancer; Hereditary breast and ovarian cancer syndrome (HBOC); Hereditary breast and ovarian cancer syndrome; BRCA1- and BRCA2-Associated Hereditary Breast and Ovarian Cancer; Hereditary breast and/or ovarian cancer syndrome. Identifiers: Orphanet 145, MedGen C0677776, MeSH D061325, MONDO:0003582. Disease mechanism: loss of function.

gnomAD v4.1: 4 of 1,613,120 alleles (0.00025%); highest among the groups gnomAD compares: Non-Finnish European, 0.00034%; no homozygotes.

Submissions (9):

Labcorp Genetics (formerly Invitae), Labcorp
Classification: Uncertain significance for Hereditary breast ovarian cancer syndrome. Last evaluated: 2024-11-17. Review status: criteria provided, single submitter. Criteria: Invitae Variant Classification Sherloc (09022015). Collection method: clinical testing. Allele origin: germline.
Comment: This sequence change replaces serine, which is neutral and polar, with arginine, which is basic and polar, at codon 1632 of the BRCA2 protein (p.Ser1632Arg). This variant is not present in population databases (gnomAD no frequency). This variant has not been reported in the literature in individuals affected with BRCA2-related conditions. ClinVar contains an entry for this variant (Variation ID: 51734). Invitae Evidence Modeling of protein sequence and biophysical properties (such as structural, functional, and spatial information, amino acid conservation, physicochemical variation, residue mobility, and thermodynamic stability) indicates that this missense variant is not expected to disrupt BRCA2 protein function with a negative predictive value of 95%. In summary, the available evidence is currently insufficient to determine the role of this variant in disease. Therefore, it has been classified as a Variant of Uncertain Significance.

Myriad Genetics, Inc.
Classification: Likely benign for Breast-ovarian cancer, familial, susceptibility to, 2. Last evaluated: 2024-11-01. Review status: criteria provided, single submitter. Criteria: Myriad Autosomal Dominant, Autosomal Recessive and X-Linked Classification Criteria (2023). Collection method: clinical testing. Allele origin: unknown.
Comment: This variant is considered likely benign. This variant is strongly associated with less severe personal and family histories of cancer, typical for individuals without pathogenic variants in this gene [PMID: 25085752].

Quest Diagnostics Nichols Institute San Juan Capistrano
Classification: Uncertain significance. Last evaluated: 2024-10-15. Review status: criteria provided, single submitter. Criteria: Quest Diagnostics criteria. Collection method: clinical testing. Allele origin: unknown.
Comment: The BRCA2 c.4894A>C (p.Ser1632Arg) variant has been reported in the published literature in individual with a personal and/or family history of breast and/or ovarian cancer (PMID: 31853058 (2020)). One multifactorial likelihood study characterizes the variant as suggestive of pathogenicity (PMID: 31131967 (2019)), while another study reports the variant is located in a region of BRCA2 that is tolerant to missense sequence changes (PMID: 31911673 (2020)). This variant has not been reported in large, multi-ethnic general populations (Genome Aggregation Database). Analysis of this variant using bioinformatics tools for the prediction of the effect of amino acid changes on protein structure and function yielded predictions that this variant is benign. Based on the available information, we are unable to determine the clinical significance of this variant.

Fulgent Genetics
Classification: Uncertain significance for Familial cancer of breast; Medulloblastoma; Familial prostate cancer; Wilms tumor 1; Fanconi anemia complementation group D1; Breast-ovarian cancer, familial, susceptibility to, 2; Glioma susceptibility 3; Pancreatic cancer, susceptibility to, 2. Last evaluated: 2024-04-10. Review status: criteria provided, single submitter. Criteria: ACMG Guidelines, 2015. Collection method: clinical testing. Allele origin: germline.

Ambry Genetics
Classification: Uncertain significance for Hereditary cancer-predisposing syndrome. Last evaluated: 2023-12-23. Review status: criteria provided, single submitter. Criteria: Ambry Variant Classification Scheme 2023. Collection method: clinical testing. Allele origin: germline.
Comment: The p.S1632R variant (also known as c.4894A>C), located in coding exon 10 of the BRCA2 gene, results from an A to C substitution at nucleotide position 4894. The serine at codon 1632 is replaced by arginine, an amino acid with dissimilar properties. This amino acid position is not well conserved in available vertebrate species. In addition, this alteration is predicted to be tolerated by in silico analysis. Since supporting evidence is limited at this time, the clinical significance of this alteration remains unclear.

University of Washington Department of Laboratory Medicine, University of Washington
Classification: Likely benign for Hereditary cancer-predisposing syndrome. Last evaluated: 2023-03-23. Review status: criteria provided, single submitter. Criteria: Dines et al. (Genet Med. 2020). Collection method: curation. Allele origin: germline.
Comment: Missense variant in a coldspot region where missense variants are very unlikely to be pathogenic (PMID:31911673).

BRCA2 exon 11 coldspot. Reclassification based on statistical prior probability.

Color Diagnostics, LLC DBA Color Health
Classification: Uncertain significance for Hereditary cancer-predisposing syndrome. Last evaluated: 2019-05-03. Review status: criteria provided, single submitter. Criteria: ACMG Guidelines, 2015. Collection method: clinical testing. Allele origin: germline.

Women's Health and Genetics/Laboratory Corporation of America, LabCorp
Classification: Uncertain significance. Last evaluated: 2017-03-07. Review status: criteria provided, single submitter. Criteria: LabCorp Variant Classification Summary - May 2015. Collection method: clinical testing. Allele origin: germline.
Comment: Variant summary: The BRCA2 c.4894A>C (p.Ser1632Arg) variant involves the alteration of a non-conserved nucleotide, resulting in a missense substitution. 3/4 in silico tools predict a benign outcome for this variant (SNPs&GO not captured due to low reliability index). This variant is absent from 0/119524 control chromosomes (ExAC). Multiple clinical diagnostic laboratories/reputable databases classified this variant as uncertain significance. The variant of interest has not, to our knowledge, been reported in affected individuals via publications nor has it been evaluated for functional impact by in vivo/vitro studies. Because of the absence of clinical information and the lack of functional studies, the variant is classified as a "Variant of Uncertain Significance (VUS)," until additional information becomes available.

Breast Cancer Information Core (BIC) (BRCA2)
Classification: Uncertain significance for Breast-ovarian cancer, familial 2. Last evaluated: 2001-10-29. Review status: no assertion criteria provided. Collection method: clinical testing. Allele origin: germline. Affected: yes. Observed: 1 variant allele. Not counted in ClinVar's aggregate classification.

Literature cited by the submitters: PubMed 25085752 (cited by Myriad Genetics, Inc.); PubMed 36922933 (cited by Quest Diagnostics Nichols Institute San Juan Capistrano); PubMed 31911673 (cited by Quest Diagnostics Nichols Institute San Juan Capistrano); PubMed 31131967 (cited by Quest Diagnostics Nichols Institute San Juan Capistrano); PubMed 31853058 (cited by Quest Diagnostics Nichols Institute San Juan Capistrano).